The following is an entry in ClinVar:

ClinVar aggregate classification (germline): Benign/Likely benign. Review status: criteria provided, multiple submitters, no conflicts (2 of 4 stars). 5 submissions from 5 submitters: Benign (1); Likely benign (3). 1 of the submissions does not count toward it. Last evaluated 2025-10-16.

Conditions:
MED13L-related disorder. Also called: MED13L-related condition.
Inborn genetic diseases. Identifiers: MedGen C0950123, MeSH D030342.
Dextro-looped transposition of the great arteries. Also called: Dextrotransposition of the great arteries. Identifiers: Orphanet 860, MedGen C3531771, MONDO:0019443, OMIM 608808, HP:0031348.

Allele frequency attached by ClinVar (database versions not stated): TOPMed 0.00026; ExAC 0.00037; gnomAD exomes 0.00037; gnomAD 0.00021 and 0.00023; ESP Exome Variant Server 0.00023.
gnomAD v4.1: 463 of 1,614,034 alleles (0.029%); highest among the groups gnomAD compares: Non-Finnish European, 0.028%; no homozygotes.

Submissions (5):

Labcorp Genetics (formerly Invitae), Labcorp
Classification: Likely benign for Dextro-looped transposition of the great arteries. Last evaluated: 2025-10-16. Review status: criteria provided, single submitter. Criteria: Invitae Variant Classification Sherloc (09022015). Collection method: clinical testing. Allele origin: germline.

CeGaT Center for Human Genetics Tuebingen
Classification: Likely benign. Last evaluated: 2025-10-01. Review status: criteria provided, single submitter. Criteria: CeGaT Center For Human Genetics Tuebingen Variant Classification Criteria Version 2. Collection method: clinical testing. Allele origin: germline. Affected: yes. Observed: 2 variant alleles.
Comment: MED13L: BP4, BS2

Ambry Genetics
Classification: Likely benign for Inborn genetic diseases. Last evaluated: 2021-07-19. Review status: criteria provided, single submitter. Criteria: Ambry Variant Classification Scheme 2023. Collection method: clinical testing. Allele origin: germline.

GeneDx
Classification: Benign. Last evaluated: 2019-12-03. Review status: criteria provided, single submitter. Criteria: GeneDx Variant Classification Process June 2021. Collection method: clinical testing. Allele origin: germline. Affected: yes.

PreventionGenetics, part of Exact Sciences
Classification: Likely benign for MED13L-related condition. Last evaluated: 2023-10-10. Review status: no assertion criteria provided. Collection method: clinical testing. Allele origin: germline. Not counted in ClinVar's aggregate classification.
Comment: This variant is classified as likely benign based on ACMG/AMP sequence variant interpretation guidelines (Richards et al. 2015 PMID: 25741868, with internal and published modifications).

NM_015335.5(MED13L):c.4853C>G (p.Thr1618Ser)

Gene: MED13L (mediator complex subunit 13L; minus strand). Cytogenetic location: 12q24.21.
Variant type: single nucleotide variant.
Coding change: c.4853C>G on transcript NM_015335.5 (MANE Select); coding-DNA position 4853, C replaced by G.
Protein change: p.Thr1618Ser; replaces threonine 1618 with serine.
Molecular consequence: missense variant.
Genome position (GRCh38, 1-based): chr12:115,983,219, G>C on the plus strand (C>G on the coding strand, the complement: MED13L is on the minus strand). VCF-style: chr12-115983219-G-C. GRCh37 (hg19) VCF-style: chr12-116421024-G-C.
Other names: short protein forms T1618S.
Identifiers: ClinVar variation 695670 (VCV000695670.43), dbSNP rs150339628, ClinGen allele CA6810724.